The following is an entry in ClinVar:

ClinVar aggregate classification (germline): Uncertain significance. Review status: criteria provided, multiple submitters, no conflicts (2 of 4 stars). 3 submissions from 3 submitters: Uncertain significance (3). Last evaluated 2025-10-11.

Conditions:
Colorectal cancer, susceptibility to, 1. Also called: COLORECTAL ADENOMA AND CANCER, SUSCEPTIBILITY TO; COLORECTAL CANCER, SUSCEPTIBILITY TO, ON CHROMOSOME 9. Identifiers: MedGen C1837315, MONDO:0012132, OMIM 608812.

Allele frequency attached by ClinVar (database versions not stated): TOPMed below 0.00001; gnomAD 0.00001.
gnomAD v4.1: 1 of 1,611,078 alleles (0.000062%); highest among the groups gnomAD compares: Non-Finnish European, 0.000085%; no homozygotes.

Submissions (3):

Ambry Genetics
Classification: Uncertain significance. Last evaluated: 2025-10-11. Review status: criteria provided, single submitter. Criteria: Ambry Variant Classification Scheme 2023. Collection method: clinical testing. Allele origin: germline.
Comment: The p.K184Q variant (also known as c.550A>C), located in coding exon 3 of the GALNT12 gene, results from an A to C substitution at nucleotide position 550. The lysine at codon 184 is replaced by glutamine, an amino acid with similar properties. This amino acid position is highly conserved in available vertebrate species. In addition, this alteration is predicted to be tolerated by in silico analysis. The evidence for this gene-disease relationship is limited; therefore, the clinical significance of this alteration is unclear.

Fulgent Genetics
Classification: Uncertain significance for Colorectal cancer, susceptibility to, 1. Last evaluated: 2024-01-17. Review status: criteria provided, single submitter. Criteria: ACMG Guidelines, 2015. Collection method: clinical testing. Allele origin: germline.

Labcorp Genetics (formerly Invitae), Labcorp
Classification: Uncertain significance. Last evaluated: 2022-08-18. Review status: criteria provided, single submitter. Criteria: Invitae Variant Classification Sherloc (09022015). Collection method: clinical testing. Allele origin: germline.
Comment: This sequence change replaces lysine, which is basic and polar, with glutamine, which is neutral and polar, at codon 184 of the GALNT12 protein (p.Lys184Gln). This variant is not present in population databases (gnomAD no frequency). This variant has not been reported in the literature in individuals affected with GALNT12-related conditions. ClinVar contains an entry for this variant (Variation ID: 1466736). Algorithms developed to predict the effect of missense changes on protein structure and function are either unavailable or do not agree on the potential impact of this missense change (SIFT: "Deleterious"; PolyPhen-2: "Probably Damaging"; Align-GVGD: "Class C0"). In summary, the available evidence is currently insufficient to determine the role of this variant in disease. Therefore, it has been classified as a Variant of Uncertain Significance.

NM_024642.5(GALNT12):c.550A>C (p.Lys184Gln)

Gene: GALNT12 (polypeptide N-acetylgalactosaminyltransferase 12; plus strand). Cytogenetic location: 9q22.33.
Variant type: single nucleotide variant.
Coding change: c.550A>C on transcript NM_024642.5 (MANE Select); coding-DNA position 550, A replaced by C.
Protein change: p.Lys184Gln; replaces lysine 184 with glutamine.
Molecular consequence: missense variant.
Genome position (GRCh38, 1-based): chr9:98,826,760, A>C. VCF-style: chr9-98826760-A-C. GRCh37 (hg19) VCF-style: chr9-101589042-A-C.
Other names: short protein forms K184Q.
Identifiers: ClinVar variation 1466736 (VCV001466736.13), dbSNP rs1835864602, ClinGen allele CA374217257.